The following is an entry in ClinVar:

ClinVar aggregate classification (germline): Conflicting classifications of pathogenicity. Review status: criteria provided, conflicting classifications (1 of 4 stars). 4 submissions from 4 submitters: Uncertain significance (2); Likely benign (1). 1 of the submissions does not count toward it. Last evaluated 2026-01-10.

Conditions:
FUS-related disorder. Also called: FUS-related condition.
Inborn genetic diseases. Identifiers: MedGen C0950123, MeSH D030342.
Amyotrophic lateral sclerosis type 6. Also called: FUS-Related Amyotrophic Laterial Sclerosis; AMYOTROPHIC LATERAL SCLEROSIS 6 WITHOUT FRONTOTEMPORAL DEMENTIA; Amyotrophic lateral sclerosis 6, with or without frontotemporal dementia. Identifiers: Orphanet 275872, Orphanet 803, MedGen C2931786, MONDO:0011951, OMIM 608030.
Tremor, hereditary essential, 4 (ETM4). Identifiers: MedGen C3539195, MONDO:0013888, OMIM 614782.

Submissions (4):

Labcorp Genetics (formerly Invitae), Labcorp
Classification: Uncertain significance for Tremor, hereditary essential, 4; Amyotrophic lateral sclerosis type 6. Last evaluated: 2026-01-10. Review status: criteria provided, single submitter. Criteria: Invitae Variant Classification Sherloc (09022015). Collection method: clinical testing. Allele origin: germline.
Comment: This variant, c.170_172del, results in the deletion of 1 amino acid(s) of the FUS protein (p.Ser57del), but otherwise preserves the integrity of the reading frame. This variant is present in population databases (rs777545405, gnomAD 0.04%), and has an allele count higher than expected for a pathogenic variant. This variant has been observed in individual(s) with amyotrophic lateral sclerosis or dementia (PMID: 19741216, 31996268, 35120450). This variant is also known as c.169_171delTCT. ClinVar contains an entry for this variant (Variation ID: 1213403). Algorithms developed to predict the effect of variants on gene product structure and function are not available or were not evaluated for this variant. Experimental studies have shown that this variant does not substantially affect FUS function (PMID: 21829392). In summary, the available evidence is currently insufficient to determine the role of this variant in disease. Therefore, it has been classified as a Variant of Uncertain Significance.

GeneDx
Classification: Uncertain significance. Last evaluated: 2024-10-22. Review status: criteria provided, single submitter. Criteria: GeneDx Variant Classification Process June 2021. Collection method: clinical testing. Allele origin: germline. Affected: yes.
Comment: In-frame deletion of 1 amino acid(s) in a non-repeat region; In silico analysis supports a deleterious effect on protein structure/function; This variant is associated with the following publications: (PMID: 21829392, 34426522, 35120450, 19741216, 30924900, 31996268)

Ambry Genetics
Classification: Likely benign for Inborn genetic diseases. Last evaluated: 2020-05-18. Review status: criteria provided, single submitter. Criteria: Ambry Variant Classification Scheme 2023. Collection method: clinical testing. Allele origin: germline.

PreventionGenetics, part of Exact Sciences
Classification: Uncertain significance for FUS-related condition. Last evaluated: 2024-05-07. Review status: no assertion criteria provided. Collection method: clinical testing. Allele origin: germline. Not counted in ClinVar's aggregate classification.
Comment: The FUS c.170_172delCTT variant is predicted to result in an in-frame deletion (p.Ser57del). This variant has been reported in patient with amyotrophic lateral sclerosis undergoing FUS testing (Belzil et al. 2009. PubMed ID: 19741216), in an individual with Lewy body dementia (Table S3, Orme et al. 2020. PubMed ID: 31996268) and in an individual with Alzheimer disease (Pagnon de la Vega et al. 2022. PubMed ID: 35120450). Functional studies indicated the p.Ser57del variant was able to rescue the motor phenotype, compared to other pathogenic variants (p.Arg521His and p.Arg521Cys), in FUS depleted zebrafish, suggesting that this variant retained wild type protein function (Kabashi et al. 2011. PubMed ID: 21829392). This variant is reported in 0.036% of alleles in individuals of African descent in gnomAD, which may be too common to be a primary cause disease. Although we suspect that this variant may be benign, at this time, the clinical significance of this variant is uncertain due to the absence of conclusive functional and genetic evidence.

Literature cited by the submitters: PubMed 19741216 (cited by Labcorp Genetics (formerly Invitae), Labcorp); PubMed 31996268 (cited by Labcorp Genetics (formerly Invitae), Labcorp); PubMed 35120450 (cited by Labcorp Genetics (formerly Invitae), Labcorp); PubMed 21829392 (cited by Labcorp Genetics (formerly Invitae), Labcorp).

NM_004960.4(FUS):c.167CTT[1] (p.Ser57del)

Gene: FUS (FUS RNA binding protein; plus strand). Cytogenetic location: 16p11.2.
Variant type: Microsatellite.
Coding change: c.167CTT[1] on transcript NM_004960.4 (MANE Select); one copy of the 3-base unit CTT starting at c.167; the reference has two copies in a row; one copy, 3 bases deleted; also written c.170_172del.
Protein change: p.Ser57del; deletes serine 57.
Molecular consequence: inframe deletion. On other transcripts: non-coding transcript variant (1).
Genome position (GRCh38, 1-based): chr16:31,182,644-31,182,646, CTT deleted; deleting any 3 consecutive bases within chr16:31,182,639-31,182,646 gives the same sequence; the position shown is the placement nearest the transcript's 3' end. VCF-style (leftmost placement, unchanged base first): chr16-31182638-ATTC-A. GRCh37 (hg19) VCF-style: chr16-31193959-ATTC-A.
Other names: c.167CTT[1], p.Ser57del (NM_001170634.1, NM_001170937.1); c.170_172del (NM_004960.3); c.170_172delCTT (NM_004960.3); short protein forms S57del.
Identifiers: ClinVar variation 1213403 (VCV001213403.13), dbSNP rs777545405, ClinGen allele CA8023456.
Genomic context (GRCh38, chr16:31,182,638, plus strand): 5'-AGCAGAGTTACAGTGGTTATAGCCAGTCCACGGACACTTCAGGCTATGGCCAGAGCAGCT[ATTC>A]TTCTTATGGCCAGAGCCAGAACAGTGAGTCTTTCTCAGCGGGTCACCTCTTCCTACTCTT-3'